The following is an entry in ClinVar:

ClinVar aggregate classification (germline): Benign (1 of 4 stars; one submission).

Conditions:
Leigh syndrome (NULS). Also called: Leigh's necrotizing encephalopathy; Leigh's disease; Leigh Syndrome (mtDNA deletion); Leigh Disease; Subacute necrotizing encephalopathy; Necrotizing encephalopathy infantile subacute of Leigh. Identifiers: Orphanet 506, MedGen C2931891, MONDO:0009723, OMIM 256000.

Submission:

Wong Mito Lab, Molecular and Human Genetics, Baylor College of Medicine
Classification: Benign for Leigh syndrome. Last evaluated: 2019-10-17. Review status: criteria provided, single submitter. Criteria: Modified ACMG Guidelines (Unpublished). Collection method: clinical testing. Allele origin: germline.
Comment: The NC_012920.1:m.9355A>G (YP_003024032.1:p.Asn50Ser) variant in MTCO3 gene is interpretated to be a Benign variant based on the modified ACMG guidelines (unpublished). This variant meets the following evidence codes: BS1, BS2

NC_012920.1(MT-CO3):m.9355A>G

Gene: MT-CO3 (mitochondrially encoded cytochrome c oxidase III; plus strand).
Variant type: single nucleotide variant.
Genome position: chrM-9355-A-G.
Identifiers: ClinVar variation 693155 (VCV000693155.1), dbSNP rs1556423663, ClinGen allele CA414802755.